The following is an entry in ClinVar:

ClinVar aggregate classification (germline): Uncertain significance (1 of 4 stars; one submission).

Allele frequency attached by ClinVar (database versions not stated): gnomAD exomes below 0.00001; gnomAD 0.00004; TOPMed 0.00004.
gnomAD v4.1: 8 of 1,612,990 alleles (0.0005%); highest among the groups gnomAD compares: African/African-American, 0.011%; no homozygotes.

Submission:

Labcorp Genetics (formerly Invitae), Labcorp
Classification: Uncertain significance. Last evaluated: 2022-08-23. Review status: criteria provided, single submitter. Criteria: Invitae Variant Classification Sherloc (09022015). Collection method: clinical testing. Allele origin: germline.
Comment: This sequence change replaces aspartic acid, which is acidic and polar, with glutamic acid, which is acidic and polar, at codon 248 of the DRAM2 protein (p.Asp248Glu). This variant is not present in population databases (gnomAD no frequency). This variant has not been reported in the literature in individuals affected with DRAM2-related conditions. ClinVar contains an entry for this variant (Variation ID: 1437497). Algorithms developed to predict the effect of missense changes on protein structure and function are either unavailable or do not agree on the potential impact of this missense change (SIFT: "Deleterious"; PolyPhen-2: "Benign"; Align-GVGD: "Class C0"). In summary, the available evidence is currently insufficient to determine the role of this variant in disease. Therefore, it has been classified as a Variant of Uncertain Significance.

NM_001349884.2(DRAM2):c.744C>G (p.Asp248Glu)

Gene: DRAM2 (DNA damage regulated autophagy modulator 2; minus strand). Cytogenetic location: 1p13.3.
Variant type: single nucleotide variant.
Coding change: c.744C>G on transcript NM_001349884.2 (MANE Select); coding-DNA position 744, C replaced by G.
Protein change: p.Asp248Glu; replaces aspartic acid 248 with glutamic acid.
Molecular consequence: missense variant. On other transcripts: non-coding transcript variant (8).
Genome position (GRCh38, 1-based): chr1:111,118,217, G>C on the plus strand (C>G on the coding strand, the complement: DRAM2 is on the minus strand). VCF-style: chr1-111118217-G-C. GRCh37 (hg19) VCF-style: chr1-111660839-G-C.
Other names: c.744C>G, p.Asp248Glu (NM_001349881.2, NM_001349882.2, NM_001349885.2 and 1 more transcripts); c.474C>G, p.Asp158Glu (NM_001349886.2, NM_001349887.2, NM_001349888.2); c.354C>G, p.Asp118Glu (NM_001349889.2, NM_001349890.2, NM_001349891.2 and 2 more transcripts); short protein forms D248E, D158E, D118E.
Identifiers: ClinVar variation 1437497 (VCV001437497.3), dbSNP rs1169826275, ClinGen allele CA341817942.
Genomic context (GRCh38, chr1:111,118,217, plus strand): 5'-TCATCAAATATCTCTGGAAAGTAGCCGTGTTCGTTCATTGTTAATAGGGCAAGGTGCAGT[G>C]TCATAGAGGGTTAATCCATGTAAATTGGCTTCCACCCGTAAAGAAATTTTCTGGAACAGA-3'
Protein context (NP_001336813.1, residues 238-258): EANLHGLTLY[Asp248Glu]TAPCPINNER